The following is an entry in ClinVar:

ClinVar aggregate classification (germline): Benign. Review status: criteria provided, multiple submitters, no conflicts (2 of 4 stars). 5 submissions from 5 submitters: Benign (5). Last evaluated 2026-02-04.

Conditions:
Oculocutaneous albinism type 3 (OCA3). Also called: Rufous OCA; Rufous albinism; RUFOUS OCULOCUTANEOUS ALBINISM; ALBINISM III; XANTHISM; Albinism, oculocutaneous, type III. Identifiers: Orphanet 79433, MedGen C0342683, MONDO:0008747, OMIM 203290.

Allele frequency attached by ClinVar (database versions not stated): 1000 Genomes Project 0.01677; 1000 Genomes Project 30x 0.01765; TOPMed 0.03859; ESP Exome Variant Server 0.04606; gnomAD 0.04615.
gnomAD v4.1: 87,599 of 1,613,566 alleles (5.4%); highest among the groups gnomAD compares: Non-Finnish European, 6.2%; 2,702 homozygotes.

Submissions (5):

Labcorp Genetics (formerly Invitae), Labcorp
Classification: Benign. Last evaluated: 2026-02-04. Review status: criteria provided, single submitter. Criteria: Invitae Variant Classification Sherloc (09022015). Collection method: clinical testing. Allele origin: germline.

Blueprint Genetics
Classification: Benign. Last evaluated: 2024-11-27. Review status: criteria provided, single submitter. Criteria: ACMG Guidelines, 2015. Collection method: clinical testing. Allele origin: germline.

Illumina Laboratory Services, Illumina
Classification: Benign for Oculocutaneous albinism type 3. Last evaluated: 2018-01-13. Review status: criteria provided, single submitter. Criteria: ICSL Variant Classification Criteria 13 December 2019. Collection method: clinical testing. Allele origin: germline.
Comment: This variant was observed in the ICSL laboratory as part of a predisposition screen in an ostensibly healthy population. It had not been previously curated by ICSL or reported in the Human Gene Mutation Database (HGMD: prior to June 1st, 2018), and was therefore a candidate for classification through an automated scoring system. Utilizing variant allele frequency, disease prevalence and penetrance estimates, and inheritance mode, an automated score was calculated to assess if this variant is too frequent to cause the disease. Based on the score and internal cut-off values, a variant classified as benign is not then subjected to further curation. The score for this variant resulted in a classification of benign for this disease.

Breakthrough Genomics
Classification: Benign. Review status: criteria provided, single submitter. Criteria: ACMG Guidelines, 2015. Collection method: not provided. Allele origin: germline. Inheritance: Autosomal recessive inheritance. Affected: yes.

PreventionGenetics, part of Exact Sciences
Classification: Benign. Review status: criteria provided, single submitter. Criteria: ACMG Guidelines, 2015. Collection method: clinical testing. Allele origin: germline.

NM_000550.3(TYRP1):c.259C>A (p.Arg87=)

Gene: TYRP1 (tyrosinase related protein 1; plus strand). Cytogenetic location: 9p23.
Variant type: single nucleotide variant.
Coding change: c.259C>A on transcript NM_000550.3 (MANE Select); coding-DNA position 259, C replaced by A.
Protein change: p.Arg87=; no amino-acid change (arginine 87 retained).
Molecular consequence: synonymous variant.
Genome position (GRCh38, 1-based): chr9:12,694,255, C>A. VCF-style: chr9-12694255-C-A. GRCh37 (hg19) VCF-style: chr9-12694255-C-A.
Identifiers: ClinVar variation 256644 (VCV000256644.16), dbSNP rs34509359, ClinGen allele CA4985154.